The following is an entry in ClinVar:

ClinVar aggregate classification (germline): Benign (0 of 4 stars; one submission).

Conditions:
DISP3-related disorder. Also called: DISP3-related condition.

Allele frequency attached by ClinVar (database versions not stated): gnomAD exomes 0.00024; ExAC 0.00086; 1000 Genomes Project 0.00200; 1000 Genomes Project 30x 0.00203; gnomAD 0.00242; TOPMed 0.00280; ESP Exome Variant Server 0.00305.
gnomAD v4.1: 724 of 1,612,420 alleles (0.045%); highest among the groups gnomAD compares: African/African-American, 0.87%; 3 homozygotes.

Submission:

PreventionGenetics, part of Exact Sciences
Classification: Benign for DISP3-related condition. Last evaluated: 2020-01-20. Review status: no assertion criteria provided. Collection method: clinical testing. Allele origin: germline.
Comment: This variant is classified as benign based on ACMG/AMP sequence variant interpretation guidelines (Richards et al. 2015 PMID: 25741868, with internal and published modifications).

NM_020780.2(DISP3):c.4065C>T (p.Ser1355=)

Gene: DISP3 (dispatched RND transporter family member 3; plus strand). Cytogenetic location: 1p36.22.
Variant type: single nucleotide variant.
Coding change: c.4065C>T on transcript NM_020780.2 (MANE Select); coding-DNA position 4065, C replaced by T.
Protein change: p.Ser1355=; no amino-acid change (serine 1355 retained).
Molecular consequence: synonymous variant.
Genome position (GRCh38, 1-based): chr1:11,536,572, C>T. VCF-style: chr1-11536572-C-T. GRCh37 (hg19) VCF-style: chr1-11596629-C-T.
Identifiers: ClinVar variation 3051802 (VCV003051802.2), dbSNP rs184682642, ClinGen allele CA592643.